The following is an entry in ClinVar:

ClinVar aggregate classification (germline): Uncertain significance (1 of 4 stars; one submission).

Submission:

Labcorp Genetics (formerly Invitae), Labcorp
Classification: Uncertain significance. Last evaluated: 2025-04-08. Review status: criteria provided, single submitter. Criteria: Invitae Variant Classification Sherloc (09022015). Collection method: clinical testing. Allele origin: germline.
Comment: This sequence change replaces glutamic acid, which is acidic and polar, with glycine, which is neutral and non-polar, at codon 329 of the COL7A1 protein (p.Glu329Gly). This variant is not present in population databases (gnomAD no frequency). This variant has not been reported in the literature in individuals affected with COL7A1-related conditions. Invitae Evidence Modeling of protein sequence and biophysical properties (such as structural, functional, and spatial information, amino acid conservation, physicochemical variation, residue mobility, and thermodynamic stability) indicates that this missense variant is not expected to disrupt COL7A1 protein function with a negative predictive value of 95%. In summary, the available evidence is currently insufficient to determine the role of this variant in disease. Therefore, it has been classified as a Variant of Uncertain Significance.

NM_000094.4(COL7A1):c.986A>G (p.Glu329Gly)

Gene: COL7A1 (collagen type VII alpha 1 chain; minus strand). Cytogenetic location: 3p21.31.
Variant type: single nucleotide variant.
Coding change: c.986A>G on transcript NM_000094.4 (MANE Select); coding-DNA position 986, A replaced by G.
Protein change: p.Glu329Gly; replaces glutamic acid 329 with glycine.
Molecular consequence: missense variant.
Genome position (GRCh38, 1-based): chr3:48,592,458, T>C on the plus strand (A>G on the coding strand, the complement: COL7A1 is on the minus strand). VCF-style: chr3-48592458-T-C. GRCh37 (hg19) VCF-style: chr3-48629891-T-C.
Other names: short protein forms E329G.
Identifiers: ClinVar variation 4801673 (VCV004801673.1).